The following is an entry in ClinVar:

NM_000257.4(MYH7):c.5470_5471delinsGG (p.Asn1824Gly)

Gene: MYH7 (myosin heavy chain 7; minus strand). Cytogenetic location: 14q11.2.
Variant type: Indel.
Coding change: c.5470_5471delinsGG on transcript NM_000257.4 (MANE Select); coding-DNA positions 5470 to 5471, AA replaced by GG.
Protein change: p.Asn1824Gly; replaces asparagine 1824 with glycine.
Molecular consequence: missense variant.
Genome position (GRCh38, 1-based): chr14:23,415,083-23,415,084, TT replaced by CC on the plus strand (AA replaced by GG on the coding strand, the reverse complement: MYH7 is on the minus strand). VCF-style: chr14-23415083-TT-CC. GRCh37 (hg19) VCF-style: chr14-23884292-TT-CC.
Other names: c.5470_5471delAAinsGG (NM_000257.4); short protein forms N1824G.
Identifiers: ClinVar variation 653905 (VCV000653905.21), dbSNP rs1595071680, ClinGen allele CA913188616.

ClinVar aggregate classification (germline): Uncertain significance. Review status: criteria provided, multiple submitters, no conflicts (2 of 4 stars). 8 submissions from 8 submitters: Uncertain significance (8). Last evaluated 2025-12-22.

Conditions:
Myopathy, myosin storage, autosomal recessive (CMYO7B). Also called: CONGENITAL MYOPATHY 7B, MYOSIN STORAGE, AUTOSOMAL RECESSIVE. Identifiers: Orphanet 636970, MedGen C1850709, MONDO:0009708, OMIM 255160.
Dilated cardiomyopathy 1S (CMD1S). Identifiers: Orphanet 154, Orphanet 54260, MedGen C1834481, MONDO:0013262, OMIM 613426.
Hypertrophic cardiomyopathy 1 (CMH1). Also called: Familial hypertrophic cardiomyopathy 1; MYH7-Related Familial Hypertrophic Cardiomyopathy. Identifiers: MedGen C3495498, MONDO:0008647, OMIM 192600.
Congenital myopathy with fiber type disproportion. Also called: Congenital fiber-type disproportion myopathy; Congenital fiber-type disproportion. Identifiers: Orphanet 2020, MedGen C0546264, MONDO:0009711. Inheritance: all.
MYH7-related skeletal myopathy. Also called: Laing distal myopathy; Laing early-onset distal myopathy; Myopathy, distal, 1; MYOPATHY, DISTAL, EARLY-ONSET, AUTOSOMAL DOMINANT; MYOPATHY, LATE DISTAL HEREDITARY. Identifiers: Orphanet 59135, MedGen C4552004, MONDO:0008050, OMIM 160500.
Myosin storage myopathy (CMYO7A). Also called: MYH7-related late-onset scapuloperoneal muscular dystrophy; Congenital myopathy 7A, myosin storage, autosomal dominant; MYOPATHY, HYALINE BODY, AUTOSOMAL DOMINANT; Scapuloperoneal myopathy, MYH7-related; MYOPATHY WITH LYSIS OF TYPE I MYOFIBRILS; SCAPULOPERONEAL MUSCULAR DYSTROPHY. Identifiers: Orphanet 437572, Orphanet 636965, MedGen C1842160, MONDO:0008409, OMIM 608358.
Cardiovascular phenotype. Identifiers: MedGen CN230736.
Hypertrophic cardiomyopathy. Also called: HYPERTROPHIC MYOCARDIOPATHY. Identifiers: Orphanet 217569, MedGen C0007194, MeSH D002312, MONDO:0005045, HP:0001639.
Cardiomyopathy (CMYO). Also called: Cardiomyopathies. Identifiers: Orphanet 167848, MedGen C0878544, MONDO:0004994, HP:0001638. Inheritance: Various modes of inheritance.

Submissions (8):

Labcorp Genetics (formerly Invitae), Labcorp
Classification: Uncertain significance for Hypertrophic cardiomyopathy. Last evaluated: 2025-12-22. Review status: criteria provided, single submitter. Criteria: Invitae Variant Classification Sherloc (09022015). Collection method: clinical testing. Allele origin: germline.
Comment: This sequence change replaces asparagine, which is neutral and polar, with glycine, which is neutral and non-polar, at codon 1824 of the MYH7 protein (p.Asn1824Gly). The frequency data for this variant in the population databases is considered unreliable, as metrics indicate poor data quality at this position in the gnomAD database. This missense change has been observed in individual(s) with clinical features of MYH7-related conditions (PMID: 30847666). ClinVar contains an entry for this variant (Variation ID: 653905). Experimental studies and prediction algorithms are not available or were not evaluated, and the functional significance of this variant is currently unknown. In summary, the available evidence is currently insufficient to determine the role of this variant in disease. Therefore, it has been classified as a Variant of Uncertain Significance.

GeneDx
Classification: Uncertain significance. Last evaluated: 2025-09-16. Review status: criteria provided, single submitter. Criteria: GeneDx Variant Classification Process June 2021. Collection method: clinical testing. Allele origin: germline. Affected: yes.
Comment: Reported in an individual with arrhythmogenic right ventricular cardiomyopathy (ARVC); however, further clinical information was not provided (PMID: 30847666); In silico analysis supports that this variant does not alter protein structure/function; In silico analysis, which includes splice predictors and evolutionary conservation, suggests this variant may impact gene splicing. In the absence of RNA/functional studies, the actual effect of this sequence change is unknown.; Not observed at significant frequency in large population cohorts (gnomAD); This variant is associated with the following publications: (PMID: 26582918, 30847666)

Color Diagnostics, LLC DBA Color Health
Classification: Uncertain significance for Cardiomyopathy. Last evaluated: 2025-08-04. Review status: criteria provided, single submitter. Criteria: ACMG Guidelines, 2015. Collection method: clinical testing. Allele origin: germline.
Comment: This variant results in the replacement of asparagine with glycine at codon 1824 of the MYH7 protein. To our knowledge, functional studies have not been reported for this variant. This variant has been reported in an individual affected with arrhythmogenic right ventricular cardiomyopathy (PMID: 30847666). This variant has not been identified in the general population by the Genome Aggregation Database (gnomAD). The available evidence is insufficient to determine the role of this variant in disease conclusively. Therefore, this variant is classified as a Variant of Uncertain Significance.

Blueprint Genetics
Classification: Uncertain significance. Last evaluated: 2024-11-05. Review status: criteria provided, single submitter. Criteria: ACMG Guidelines, 2015. Collection method: clinical testing. Allele origin: germline.

Revvity Omics, Revvity
Classification: Uncertain significance. Last evaluated: 2024-03-26. Review status: criteria provided, single submitter. Criteria: ACMG Guidelines, 2015. Collection method: clinical testing. Allele origin: germline.

Ambry Genetics
Classification: Uncertain significance for Cardiovascular phenotype. Last evaluated: 2024-03-01. Review status: criteria provided, single submitter. Criteria: Ambry Variant Classification Scheme 2023. Collection method: clinical testing. Allele origin: germline.
Comment: The c.5470_5471delAAinsGG variant, located in coding exon 35 of the MYH7 gene, results from an in-frame deletion of AA and insertion of GG at nucleotide positions 5470 to 5471. This results in the substitution of the asparagine residue for a glycine residue at codon 1824, an amino acid with similar properties. This variant was detected in a cardiomyopathy/arrhythmia genetic testing cohort; however, clinical details were limited, and additional cardiac variants were detected in some cases (van Lint FHM et al. Neth Heart J, 2019 Jun;27:304-309). This amino acid position is well conserved in available vertebrate species. In addition, this alteration is predicted to be neutral by in silico analysis (Choi Y et al. PLoS ONE. 2012;7(10):e46688). Based on the available evidence, the clinical significance of this alteration remains unclear.

Women's Health and Genetics/Laboratory Corporation of America, LabCorp
Classification: Uncertain significance. Last evaluated: 2023-12-04. Review status: criteria provided, single submitter. Criteria: LabCorp Variant Classification Summary - May 2015. Collection method: clinical testing. Allele origin: germline.
Comment: Variant summary: MYH7 c.5470_5471delinsGG (p.Asn1824Gly) results in a non-conservative amino acid change located in the Myosin tail domain of the encoded protein sequence. Three of three in-silico tools predict a damaging effect of the variant on protein function. The available data on variant occurrences in the general population are insufficient to allow any conclusion about variant significance. c.5470_5471delinsGG has been reported in the literature in individuals affected with Cardiomyopathy without strong evidence for causality (vanLint_2019). This report does not provide unequivocal conclusions about association of the variant with Cardiomyopathy. To our knowledge, no experimental evidence demonstrating an impact on protein function has been reported. The following publication have been ascertained in the context of this evaluation (PMID: 30847666). Six submitters have cited clinical-significance assessments for this variant to ClinVar after 2014. All submitters classified the variant as uncertain significance. Based on the evidence outlined above, the variant was classified as uncertain significance.

Fulgent Genetics
Classification: Uncertain significance for MYH7-related skeletal myopathy; Myosin storage myopathy; Hypertrophic cardiomyopathy 1; Myopathy, myosin storage, autosomal recessive; Congenital myopathy 4A, autosomal dominant; Dilated cardiomyopathy 1S. Last evaluated: 2021-10-26. Review status: criteria provided, single submitter. Criteria: ACMG Guidelines, 2015. Collection method: clinical testing. Allele origin: unknown.

Literature cited by the submitters: PubMed 30847666 (cited by 4 submitters).